The following is an entry in ClinVar:

ClinVar aggregate classification (germline): Uncertain significance. Review status: criteria provided, multiple submitters, no conflicts (2 of 4 stars). 2 submissions from 2 submitters: Uncertain significance (2). Last evaluated 2026-06-11.

Conditions:
Inborn genetic diseases. Identifiers: MedGen C0950123, MeSH D030342.

Allele frequency attached by ClinVar (database versions not stated): gnomAD 0.00001; TOPMed 0.00002; gnomAD exomes below 0.00001.
gnomAD v4.1: 5 of 1,613,812 alleles (0.00031%); highest among the groups gnomAD compares: Non-Finnish European, 0.00042%; no homozygotes.

Submissions (2):

Ambry Genetics
Classification: Uncertain significance for Inborn genetic diseases. Last evaluated: 2026-06-11. Review status: criteria provided, single submitter. Criteria: Ambry Variant Classification Scheme 2023. Collection method: clinical testing. Allele origin: germline.

Labcorp Genetics (formerly Invitae), Labcorp
Classification: Uncertain significance. Last evaluated: 2024-02-01. Review status: criteria provided, single submitter. Criteria: Invitae Variant Classification Sherloc (09022015). Collection method: clinical testing. Allele origin: germline.
Comment: This sequence change replaces aspartic acid, which is acidic and polar, with glycine, which is neutral and non-polar, at codon 802 of the DDX58 protein (p.Asp802Gly). This variant is present in population databases (no rsID available, gnomAD 0.0009%). This variant has not been reported in the literature in individuals affected with DDX58-related conditions. ClinVar contains an entry for this variant (Variation ID: 1499985). Advanced modeling of protein sequence and biophysical properties (such as structural, functional, and spatial information, amino acid conservation, physicochemical variation, residue mobility, and thermodynamic stability) performed at Invitae indicates that this missense variant is not expected to disrupt DDX58 protein function with a negative predictive value of 80%. In summary, the available evidence is currently insufficient to determine the role of this variant in disease. Therefore, it has been classified as a Variant of Uncertain Significance.

NM_014314.4(RIGI):c.2405A>G (p.Asp802Gly)

Genes: RIGI (RNA sensor RIG-I; minus strand), LOC101060445 (uncharacterized LOC101060445; plus strand). Cytogenetic location: 9p21.1.
Variant type: single nucleotide variant.
Coding change: c.2405A>G on transcript NM_014314.4 (MANE Select); coding-DNA position 2405, A replaced by G.
Protein change: p.Asp802Gly; replaces aspartic acid 802 with glycine.
Molecular consequence: missense variant.
Genome position (GRCh38, 1-based): chr9:32,459,447, T>C on the plus strand (A>G on the coding strand, the complement: RIGI is on the minus strand). VCF-style: chr9-32459447-T-C. GRCh37 (hg19) VCF-style: chr9-32459445-T-C.
Other names: c.2399A>G, p.Asp800Gly (NM_001385907.1); c.2234A>G, p.Asp745Gly (NM_001385909.1); c.1964A>G, p.Asp655Gly (NM_001385910.1); c.1796A>G, p.Asp599Gly (NM_001385912.1); c.2390A>G, p.Asp797Gly (NM_001385913.1); c.1961A>G, p.Asp654Gly (NM_001385914.1); c.2405A>G (NM_014314.3); short protein forms D599G, D655G, D802G, D654G, D797G, D800G, D745G.
Identifiers: ClinVar variation 1499985 (VCV001499985.7), dbSNP rs1204922283, ClinGen allele CA373144291.